The following is an entry in ClinVar:

NM_001276345.2(TNNT2):c.776A>G (p.Asp259Gly)

Gene: TNNT2 (troponin T2, cardiac type; minus strand). Cytogenetic location: 1q32.1.
Variant type: single nucleotide variant.
Coding change: c.776A>G on transcript NM_001276345.2 (MANE Select); coding-DNA position 776, A replaced by G.
Protein change: p.Asp259Gly; replaces aspartic acid 259 with glycine.
Molecular consequence: missense variant.
Genome position (GRCh38, 1-based): chr1:201,361,313, T>C on the plus strand (A>G on the coding strand, the complement: TNNT2 is on the minus strand). VCF-style: chr1-201361313-T-C. GRCh37 (hg19) VCF-style: chr1-201330441-T-C.
Other names: c.767A>G, p.Asp256Gly (NM_000364.4); c.746A>G, p.Asp249Gly (NM_001001430.3, NM_001276347.2); c.737A>G, p.Asp246Gly (NM_001001431.3); c.728A>G, p.Asp243Gly (NM_001001432.3); c.647A>G, p.Asp216Gly (NM_001276346.2); short protein forms D256G, D259G, D243G, D246G, D216G, D249G.
Identifiers: ClinVar variation 944070 (VCV000944070.7), dbSNP rs1658581767, ClinGen allele CA344202650.

ClinVar aggregate classification (germline): Uncertain significance (1 of 4 stars; one submission).

Conditions:
Dilated cardiomyopathy 1D. Identifiers: Orphanet 154, Orphanet 54260, MedGen C1832243, MONDO:0011095, OMIM 601494.
Cardiomyopathy, familial restrictive, 3. Identifiers: Orphanet 75249, MedGen C2676271, MONDO:0012900, OMIM 612422.
Hypertrophic cardiomyopathy 2. Also called: TNNT2-Related Familial Hypertrophic Cardiomyopathy. Identifiers: MedGen C1861864, MONDO:0007266, OMIM 115195.

Submission:

Labcorp Genetics (formerly Invitae), Labcorp
Classification: Uncertain significance for Cardiomyopathy, familial restrictive, 3; Hypertrophic cardiomyopathy 2; Dilated cardiomyopathy 1D. Last evaluated: 2020-12-12. Review status: criteria provided, single submitter. Criteria: Invitae Variant Classification Sherloc (09022015). Collection method: clinical testing. Allele origin: germline.
Comment: In summary, the available evidence is currently insufficient to determine the role of this variant in disease. Therefore, it has been classified as a Variant of Uncertain Significance. Algorithms developed to predict the effect of missense changes on protein structure and function are either unavailable or do not agree on the potential impact of this missense change (SIFT: "Deleterious"; PolyPhen-2: "Benign"; Align-GVGD: "Class C0"). This variant is not present in population databases (ExAC no frequency). This sequence change replaces aspartic acid with glycine at codon 249 of the TNNT2 protein (p.Asp249Gly). The aspartic acid residue is moderately conserved and there is a moderate physicochemical difference between aspartic acid and glycine.